The following is an entry in ClinVar:

ClinVar aggregate classification (germline): Uncertain significance (1 of 4 stars; one submission).

gnomAD v4.1: 2 of 1,614,128 alleles (0.00012%); highest among the groups gnomAD compares: Admixed American, 0.0017%; no homozygotes.

Submission:

Labcorp Genetics (formerly Invitae), Labcorp
Classification: Uncertain significance. Last evaluated: 2022-07-09. Review status: criteria provided, single submitter. Criteria: Invitae Variant Classification Sherloc (09022015). Collection method: clinical testing. Allele origin: germline.
Comment: This sequence change replaces glutamic acid, which is acidic and polar, with aspartic acid, which is acidic and polar, at codon 80 of the KCNV2 protein (p.Glu80Asp). This variant is present in population databases (no rsID available, gnomAD 0.003%). This missense change has been observed in individual(s) with KCNV2-related conditions (PMID: 21900228). Advanced modeling of protein sequence and biophysical properties (such as structural, functional, and spatial information, amino acid conservation, physicochemical variation, residue mobility, and thermodynamic stability) performed at Invitae indicates that this missense variant is not expected to disrupt KCNV2 protein function. In summary, the available evidence is currently insufficient to determine the role of this variant in disease. Therefore, it has been classified as a Variant of Uncertain Significance.

Literature cited by the submitters: PubMed 21900228.

NM_133497.4(KCNV2):c.240G>C (p.Glu80Asp)

Gene: KCNV2 (potassium voltage-gated channel modifier subfamily V member 2; plus strand). Cytogenetic location: 9p24.2.
Variant type: single nucleotide variant.
Coding change: c.240G>C on transcript NM_133497.4 (MANE Select); coding-DNA position 240, G replaced by C.
Protein change: p.Glu80Asp; replaces glutamic acid 80 with aspartic acid.
Molecular consequence: missense variant.
Genome position (GRCh38, 1-based): chr9:2,717,979, G>C. VCF-style: chr9-2717979-G-C. GRCh37 (hg19) VCF-style: chr9-2717979-G-C.
Other names: short protein forms E80D.
Identifiers: ClinVar variation 2147682 (VCV002147682.1), dbSNP rs374187513, ClinGen allele CA372796124.